The following is an entry in ClinVar:

NM_001370298.3(FGD4):c.1404+2T>A

Gene: FGD4 (FYVE, RhoGEF and PH domain containing 4; plus strand). Cytogenetic location: 12p11.21.
Variant type: single nucleotide variant.
Coding change: c.1404+2T>A on transcript NM_001370298.3 (MANE Select); the canonical splice donor site of the intron after coding-DNA position 1404, T replaced by A.
Molecular consequence: splice donor variant.
Genome position (GRCh38, 1-based): chr12:32,602,319, T>A. VCF-style: chr12-32602319-T-A. GRCh37 (hg19) VCF-style: chr12-32755253-T-A.
Other names: c.1404+2T>A (NM_001384126.1); c.1248+2T>A (NM_001304481.2); c.714+2T>A (NM_001330374.2, NM_001330373.2, NM_001384130.1); c.993+2T>A (NM_139241.3, NM_001384127.1, NM_001385118.1 and 1 more transcripts); c.-59+2T>A (NM_001304484.2); c.441+2T>A (NM_001370297.1); c.249+2T>A (NM_001304483.2).
Identifiers: ClinVar variation 1509896 (VCV001509896.6), dbSNP rs1948478259, ClinGen allele CA384359105.
Genomic context (GRCh38, chr12:32,602,319, plus strand): 5'-TGGTTAAAAACATGACAGAACGTATTCCCCAGTTCAAATCAGTGGTTGAAGAAATTCAGG[T>A]AATAGGACTGTTTTGTTCAAAGCTATGAATTACTATTTCCATACAAATTATACAGTCTTC-3'

ClinVar aggregate classification (germline): Likely pathogenic (1 of 4 stars; one submission).

Conditions:
Charcot-Marie-Tooth disease type 4. Also called: Charcot-Marie-Tooth disease, type IV; Charcot-Marie-Tooth, Type 4. Identifiers: Orphanet 64749, MedGen C4082197, MONDO:0018995.

Allele frequency attached by ClinVar (database versions not stated): gnomAD exomes below 0.00001; TOPMed below 0.00001.
gnomAD v4.1: 1 of 1,614,012 alleles (0.000062%); highest among the groups gnomAD compares: Non-Finnish European, 0.000085%; no homozygotes.

Submission:

Labcorp Genetics (formerly Invitae), Labcorp
Classification: Likely pathogenic for Charcot-Marie-Tooth disease type 4. Last evaluated: 2023-07-27. Review status: criteria provided, single submitter. Criteria: Invitae Variant Classification Sherloc (09022015). Collection method: clinical testing. Allele origin: germline.
Comment: In summary, the currently available evidence indicates that the variant is pathogenic, but additional data are needed to prove that conclusively. Therefore, this variant has been classified as Likely Pathogenic. This variant has not been reported in the literature in individuals affected with FGD4-related conditions. Algorithms developed to predict the effect of sequence changes on RNA splicing suggest that this variant may disrupt the consensus splice site. This sequence change affects a donor splice site in intron 7 of the FGD4 gene. It is expected to disrupt RNA splicing. Variants that disrupt the donor or acceptor splice site typically lead to a loss of protein function (PMID: 16199547), and loss-of-function variants in FGD4 are known to be pathogenic (PMID: 17564972). This variant is not present in population databases (gnomAD no frequency). ClinVar contains an entry for this variant (Variation ID: 1509896).

Literature cited by the submitters: PubMed 16199547; PubMed 17564972.